The following is an entry in ClinVar:

ClinVar aggregate classification (germline): Uncertain significance (1 of 4 stars; one submission).

Conditions:
Hermansky-Pudlak syndrome 2 (HPS2). Also called: Platelet defects and oculocutaneous albinism. Identifiers: Orphanet 183678, Orphanet 79430, MedGen C1842362, MONDO:0011997, OMIM 608233.

Submission:

Labcorp Genetics (formerly Invitae), Labcorp
Classification: Uncertain significance for Hermansky-Pudlak syndrome 2. Last evaluated: 2022-08-20. Review status: criteria provided, single submitter. Criteria: Invitae Variant Classification Sherloc (09022015). Collection method: clinical testing. Allele origin: germline.
Comment: This sequence change replaces methionine, which is neutral and non-polar, with threonine, which is neutral and polar, at codon 521 of the AP3B1 protein (p.Met521Thr). This variant is not present in population databases (gnomAD no frequency). This variant has not been reported in the literature in individuals affected with AP3B1-related conditions. Algorithms developed to predict the effect of missense changes on protein structure and function output the following: SIFT: "Tolerated"; PolyPhen-2: "Benign"; Align-GVGD: "Class C0". The threonine amino acid residue is found in multiple mammalian species, which suggests that this missense change does not adversely affect protein function. In summary, the available evidence is currently insufficient to determine the role of this variant in disease. Therefore, it has been classified as a Variant of Uncertain Significance.

NM_003664.5(AP3B1):c.1562T>C (p.Met521Thr)

Gene: AP3B1 (adaptor related protein complex 3 subunit beta 1; minus strand). Cytogenetic location: 5q14.1.
Variant type: single nucleotide variant.
Coding change: c.1562T>C on transcript NM_003664.5 (MANE Select); coding-DNA position 1562, T replaced by C.
Protein change: p.Met521Thr; replaces methionine 521 with threonine.
Molecular consequence: missense variant.
Genome position (GRCh38, 1-based): chr5:78,141,231, A>G on the plus strand (T>C on the coding strand, the complement: AP3B1 is on the minus strand). VCF-style: chr5-78141231-A-G. GRCh37 (hg19) VCF-style: chr5-77437055-A-G.
Other names: c.1415T>C, p.Met472Thr (NM_001271769.2); c.1562T>C, p.Met521Thr (NM_001410752.1); short protein forms M521T, M472T.
Identifiers: ClinVar variation 2006819 (VCV002006819.4), dbSNP rs2531030189, ClinGen allele CA360188909.